The following is an entry in ClinVar:

NM_001102564.3(IFT43):c.296-5661G>A

Gene: IFT43 (intraflagellar transport 43; plus strand). Cytogenetic location: 14q24.3.
Variant type: single nucleotide variant.
Coding change: c.296-5661G>A on transcript NM_001102564.3 (MANE Select); 5661 bases into the intron before coding-DNA position 296, G replaced by A.
Molecular consequence: intron variant. On other transcripts: missense variant (1).
Genome position (GRCh38, 1-based): chr14:76,076,634, G>A. VCF-style: chr14-76076634-G-A. GRCh37 (hg19) VCF-style: chr14-76542977-G-A.
Other names: c.253G>A, p.Ala85Thr (NM_052873.3); short protein forms A85T.
Identifiers: ClinVar variation 850946 (VCV000850946.10), dbSNP rs150373788, ClinGen allele CA7280791.

ClinVar aggregate classification (germline): Conflicting classifications of pathogenicity. Review status: criteria provided, conflicting classifications (1 of 4 stars). 3 submissions from 3 submitters: Uncertain significance (2); Likely benign (1). Last evaluated 2025-01-06.

Allele frequency attached by ClinVar (database versions not stated): ESP Exome Variant Server 0.00031; TOPMed 0.00031.
gnomAD v4.1: 91 of 1,613,982 alleles (0.0056%); highest among the groups gnomAD compares: African/African-American, 0.11%; no homozygotes.

Submissions (3):

Labcorp Genetics (formerly Invitae), Labcorp
Classification: Uncertain significance. Last evaluated: 2025-01-06. Review status: criteria provided, single submitter. Criteria: Invitae Variant Classification Sherloc (09022015). Collection method: clinical testing. Allele origin: germline.
Comment: This sequence change replaces alanine, which is neutral and non-polar, with threonine, which is neutral and polar, at codon 85 of the IFT43 protein (p.Ala85Thr). This variant is present in population databases (rs150373788, gnomAD 0.07%). This variant has not been reported in the literature in individuals affected with IFT43-related conditions. ClinVar contains an entry for this variant (Variation ID: 850946). An algorithm developed to predict the effect of missense changes on protein structure and function outputs the following: PolyPhen-2: "Benign". The threonine amino acid residue is found in multiple mammalian species, which suggests that this missense change does not adversely affect protein function. In summary, the available evidence is currently insufficient to determine the role of this variant in disease. Therefore, it has been classified as a Variant of Uncertain Significance.

Ambry Genetics
Classification: Likely benign. Last evaluated: 2023-03-06. Review status: criteria provided, single submitter. Criteria: Ambry Variant Classification Scheme 2023. Collection method: clinical testing. Allele origin: germline.

Revvity Omics, Revvity
Classification: Uncertain significance. Last evaluated: 2022-04-14. Review status: criteria provided, single submitter. Criteria: ACMG Guidelines, 2015. Collection method: clinical testing. Allele origin: germline.